The following is an entry in ClinVar:

ClinVar aggregate classification (germline): Uncertain significance. Review status: criteria provided, multiple submitters, no conflicts (2 of 4 stars). 3 submissions from 3 submitters: Uncertain significance (3). Last evaluated 2026-01-15.

Conditions:
Xeroderma pigmentosum, group G (XPG). Also called: ERCC5-Related Xeroderma Pigmentosum; XERODERMA PIGMENTOSUM VII; XP, GROUP G; Xeroderma pigmentosum type 7. Identifiers: MedGen C0268141, MONDO:0010216, OMIM 278780.

Allele frequency attached by ClinVar (database versions not stated): gnomAD 0.00001 and 0.00003; TOPMed 0.00003; gnomAD exomes 0.00004 and 0.00010; ExAC 0.00012; 1000 Genomes Project 30x 0.00016; 1000 Genomes Project 0.00020.
gnomAD v4.1: 65 of 1,614,172 alleles (0.004%); highest among the groups gnomAD compares: East Asian, 0.08%; no homozygotes.

Submissions (3):

Labcorp Genetics (formerly Invitae), Labcorp
Classification: Uncertain significance. Last evaluated: 2026-01-15. Review status: criteria provided, single submitter. Criteria: Invitae Variant Classification Sherloc (09022015). Collection method: clinical testing. Allele origin: germline.
Comment: This sequence change replaces leucine, which is neutral and non-polar, with phenylalanine, which is neutral and non-polar, at codon 736 of the ERCC5 protein (p.Leu736Phe). This variant is present in population databases (rs201744259, gnomAD 0.06%). This variant has not been reported in the literature in individuals affected with ERCC5-related conditions. ClinVar contains an entry for this variant (Variation ID: 310929). An algorithm developed to predict the effect of missense changes on protein structure and function (PolyPhen-2) suggests that this variant is likely to be disruptive. In summary, the available evidence is currently insufficient to determine the role of this variant in disease. Therefore, it has been classified as a Variant of Uncertain Significance.

Blueprint Genetics
Classification: Uncertain significance. Last evaluated: 2024-06-24. Review status: criteria provided, single submitter. Criteria: ACMG Guidelines, 2015. Collection method: clinical testing. Allele origin: germline.

Illumina Laboratory Services, Illumina
Classification: Uncertain significance for Xeroderma pigmentosum, group G. Last evaluated: 2018-01-13. Review status: criteria provided, single submitter. Criteria: ICSL Variant Classification Criteria 13 December 2019. Collection method: clinical testing. Allele origin: germline.

NM_000123.4(ERCC5):c.2208G>C (p.Leu736Phe)

Genes: BIVM-ERCC5 (BIVM-ERCC5 readthrough; plus strand), ERCC5 (ERCC excision repair 5, endonuclease; plus strand), LOC126861834 (BRD4-independent group 4 enhancer GRCh37_chr13:103518038-103519237; plus strand). Cytogenetic location: 13q33.1.
Variant type: single nucleotide variant.
Coding change: c.2208G>C on transcript NM_000123.4 (MANE Select); coding-DNA position 2208, G replaced by C.
Protein change: p.Leu736Phe; replaces leucine 736 with phenylalanine.
Molecular consequence: missense variant.
Genome position (GRCh38, 1-based): chr13:102,866,270, G>C. VCF-style: chr13-102866270-G-C. GRCh37 (hg19) VCF-style: chr13-103518620-G-C.
Other names: c.3570G>C, p.Leu1190Phe (NM_001204425.2); short protein forms L736F, L1190F.
Identifiers: ClinVar variation 310929 (VCV000310929.7), dbSNP rs201744259, ClinGen allele CA7041569.